The following is an entry in ClinVar:

NM_001356.5(DDX3X):c.1171-2A>G

Gene: DDX3X (DEAD-box helicase 3 X-linked; plus strand). Cytogenetic location: Xp11.4.
Variant type: single nucleotide variant.
Coding change: c.1171-2A>G on transcript NM_001356.5 (MANE Select); the canonical splice acceptor site of the intron before coding-DNA position 1171, A replaced by G.
Molecular consequence: splice acceptor variant.
Genome position (GRCh38, 1-based): chrX:41,345,402, A>G. VCF-style: chrX-41345402-A-G. GRCh37 (hg19) VCF-style: chrX-41204655-A-G.
Other names: c.1171-2A>G (NM_001193416.3); c.1123-2A>G (NM_001193417.3); c.613-2A>G (NM_001363819.1).
Identifiers: ClinVar variation 1679537 (VCV001679537.3), dbSNP rs2147356545, ClinGen allele CA412771582.

ClinVar aggregate classification (germline): Pathogenic (1 of 4 stars; one submission).
ClinVar aggregate classification (somatic clinical impact): Tier I - Strong (1 of 4 stars; one submission).

Conditions:
Intellectual disability, X-linked 102 (MRXSSB). Also called: Intellectual developmental disorder, X-linked syndromic, Snijders Blok type. Identifiers: Orphanet 457260, MedGen C5393299, MONDO:0010497, OMIM 300958.
Medulloblastoma WNT activated. Identifiers: MedGen C4331965, MONDO:0850196.

Submissions (2):

Institute for Genomic Medicine (IGM) Clinical Laboratory, Nationwide Children's Hospital
Classification: Tier I - Strong for Medulloblastoma WNT activated. Assertion type: diagnostic. Clinical significance: supports diagnosis. Last evaluated: 2022-10-19. Review status: criteria provided, single submitter. Criteria: AMP/ASCO/CAP Guidelines, 2017. Collection method: clinical testing. Allele origin: somatic. Affected: yes.
Comment: Variant has Tier I (strong) clinical significance as a diagnostic inclusion criterion in medulloblastoma WNT activated, based on the following evidence: 1) Appears in one or more well-established professional guidelines (e.g., World Health Organization [WHO]; National Comprehensive Cancer Network [NCCN]) as providing diagnostic, prognostic, or therapeutic information. 2) Information in the literature supports potential biologic effect of variant. 3) Diagnostic for a specific tumor type/classification based on well-powered studies with expert-level consensus (Evidence Level B; PMIDs: 22832583, 22722829, 28726821, 22820256).

Laboratory of Human Genetics, Universidade de São Paulo
Classification: Pathogenic for Intellectual disability, X-linked 102. Last evaluated: 2022-03-16. Review status: criteria provided, single submitter. Criteria: ACMG Guidelines, 2015. Collection method: research. Allele origin: unknown. Inheritance: X-linked dominant inheritance. Affected: yes. Observed: 1 heterozygote.

Literature cited by the submitters: PubMed 22832583 (cited by Institute for Genomic Medicine (IGM) Clinical Laboratory, Nationwide Children's Hospital); PubMed 22722829 (cited by Institute for Genomic Medicine (IGM) Clinical Laboratory, Nationwide Children's Hospital); PubMed 28726821 (cited by Institute for Genomic Medicine (IGM) Clinical Laboratory, Nationwide Children's Hospital); PubMed 22820256 (cited by Institute for Genomic Medicine (IGM) Clinical Laboratory, Nationwide Children's Hospital).